The following is an entry in ClinVar:

NM_000237.3(LPL):c.541G>A (p.Gly181Ser)

Gene: LPL (lipoprotein lipase; plus strand). Cytogenetic location: 8p21.3.
Variant type: single nucleotide variant.
Coding change: c.541G>A on transcript NM_000237.3 (MANE Select); coding-DNA position 541, G replaced by A.
Protein change: p.Gly181Ser; replaces glycine 181 with serine.
Molecular consequence: missense variant.
Genome position (GRCh38, 1-based): chr8:19,953,421, G>A. VCF-style: chr8-19953421-G-A. GRCh37 (hg19) VCF-style: chr8-19810932-G-A.
Other names: c.541G>A (NM_000237.2); short protein forms G181S.
Identifiers: ClinVar variation 1456311 (VCV001456311.7), dbSNP rs747009924, ClinGen allele CA370468242.
Genomic context (GRCh38, chr8:19,953,421, plus strand): 5'-GGAGCCCATGCTGCTGGCATTGCAGGAAGTCTGACCAATAAGAAAGTCAACAGAATTACT[G>A]GTAAGAAAGCAATTTCGTTGGTCTTATCATAAGAGGTGAAAAGACTGTCATTCTGAGAGA-3'
Protein context (NP_000228.1, residues 171-191): LTNKKVNRIT[Gly181Ser]LDPAGPNFEY

ClinVar aggregate classification (germline): Pathogenic/Likely pathogenic. Review status: criteria provided, multiple submitters, no conflicts (2 of 4 stars). 2 submissions from 2 submitters: Pathogenic (1); Likely pathogenic (1). Last evaluated 2024-11-11.

Conditions:
Hyperlipoproteinemia, type I. Also called: Familial hyperlipo-proteinemia type 1; Hyperlipemia essential familial; HYPERLIPOPROTEINEMIA, TYPE IA; LPL DEFICIENCY; Lipoprotein Lipase Deficiency; Lipase D deficiency. Identifiers: Orphanet 309015, Orphanet 444490, MedGen C0023817, MONDO:0009387, OMIM 238600. Disease mechanism: loss of function.

gnomAD v4.1: 1 of 1,608,054 alleles (0.000062%); highest among the groups gnomAD compares: Non-Finnish European, 0.000085%; no homozygotes.

Submissions (2):

Natera, Inc.
Classification: Likely pathogenic for Lipoprotein lipase deficiency. Last evaluated: 2024-11-11. Review status: criteria provided, single submitter. Criteria: Natera Variant Classification Schema (03/2026). Collection method: clinical testing. Allele origin: germline.
Comment: The c.541G>A variant in LPL is a missense variant predicted to cause substitution of glycine to serine at amino acid 181. This variant is rare in the general population with a frequency below the threshold expected for the associated phenotype(s). This variant has been observed in one or more individuals affected with the associated recessive disease, as either homozygous or compound heterozygous with a second variant (PMID: 8301230, 23685560). Additionally, this variant has been observed to segregate in affected family members (PMID: 8301230). Functional studies show that this variant may disrupt protein function (PMID: 8301230). A different variant at the same position has been determined to be Pathogenic or Likely Pathogenic. Computational prediction algorithms indicate this variant is likely to affect gene or protein function. Given the available evidence, this variant is classified as Likely Pathogenic.

Labcorp Genetics (formerly Invitae), Labcorp
Classification: Pathogenic. Last evaluated: 2023-06-04. Review status: criteria provided, single submitter. Criteria: Invitae Variant Classification Sherloc (09022015). Collection method: clinical testing. Allele origin: germline.
Comment: For these reasons, this variant has been classified as Pathogenic. Variants that disrupt the consensus splice site are a relatively common cause of aberrant splicing (PMID: 17576681, 9536098). Experimental studies have shown that this missense change affects LPL function (PMID: 8301230). An algorithm developed to predict the effect of missense changes on protein structure and function (PolyPhen-2) suggests that this variant is likely to be disruptive. ClinVar contains an entry for this variant (Variation ID: 1456311). This missense change has been observed in individual(s) with chylomicronemia (PMID: 8301230). It has also been observed to segregate with disease in related individuals. This variant is not present in population databases (gnomAD no frequency). This sequence change replaces glycine, which is neutral and non-polar, with serine, which is neutral and polar, at codon 181 of the LPL protein (p.Gly181Ser). This variant also falls at the last nucleotide of exon 4, which is part of the consensus splice site for this exon.

Literature cited by the submitters: PubMed 8301230 (cited by Natera, Inc. and Labcorp Genetics (formerly Invitae), Labcorp); PubMed 23685560 (cited by Natera, Inc.); PubMed 17576681 (cited by Labcorp Genetics (formerly Invitae), Labcorp); PubMed 9536098 (cited by Labcorp Genetics (formerly Invitae), Labcorp).